The following is an entry in ClinVar:

ClinVar aggregate classification (germline): Likely pathogenic (1 of 4 stars; one submission).

Conditions:
Hereditary spherocytosis type 2. Also called: SPHEROCYTOSIS, TYPE 2, AUTOSOMAL DOMINANT. Identifiers: Orphanet 822, MedGen C2674219, MONDO:0000913, OMIM 616649.

Submission:

MVZ Martinsried, Medicover Genetics
Classification: Likely pathogenic for Hereditary spherocytosis type 2. Last evaluated: 2026-08-10. Review status: criteria provided, single submitter. Criteria: ClinGen Variant Curation SOP V3.2 + Classification Guidance July2025. Collection method: clinical testing. Allele origin: unknown. Affected: yes. Observed: 1 heterozygote.
Comment: PVS1, PM2_Supporting

NM_001355436.2(SPTB):c.2799del (p.Asn933fs)

Gene: SPTB (spectrin beta, erythrocytic; minus strand). Cytogenetic location: 14q23.3.
Variant type: Deletion.
Coding change: c.2799del on transcript NM_001355436.2 (MANE Select); coding-DNA position 2799, one base deleted (C; older notation c.2799delC).
Protein change: p.Asn933fs; shifts the reading frame from asparagine 933.
Molecular consequence: frameshift variant.
Genome position (GRCh38, 1-based): chr14:64,791,724, G deleted on the plus strand (C on the coding strand, the reverse complement: SPTB is on the minus strand). VCF-style (leftmost placement, unchanged base first): chr14-64791723-TG-T. GRCh37 (hg19) VCF-style: chr14-65258441-TG-T.
Other names: c.2799del, p.Asn933fs (NM_001024858.4, NM_001355437.2); short protein forms N933fs.
Identifiers: ClinVar variation 5043465 (VCV005043465.1).